The following is an entry in ClinVar:

ClinVar aggregate classification (germline): Uncertain significance. Review status: criteria provided, multiple submitters, no conflicts (2 of 4 stars). 2 submissions from 2 submitters: Uncertain significance (2). Last evaluated 2025-07-07.

Conditions:
Inborn genetic diseases. Identifiers: MedGen C0950123, MeSH D030342.

Allele frequency attached by ClinVar (database versions not stated): gnomAD 0.00003; TOPMed 0.00004.
gnomAD v4.1: 7 of 1,599,502 alleles (0.00044%); highest among the groups gnomAD compares: Admixed American, 0.0084%; no homozygotes.

Submissions (2):

Labcorp Genetics (formerly Invitae), Labcorp
Classification: Uncertain significance. Last evaluated: 2025-07-07. Review status: criteria provided, single submitter. Criteria: Invitae Variant Classification Sherloc (09022015). Collection method: clinical testing. Allele origin: germline.
Comment: This sequence change replaces histidine, which is basic and polar, with leucine, which is neutral and non-polar, at codon 16 of the NFKB1 protein (p.His16Leu). This variant is not present in population databases (gnomAD no frequency). This variant has not been reported in the literature in individuals affected with NFKB1-related conditions. ClinVar contains an entry for this variant (Variation ID: 2886040). An algorithm developed to predict the effect of missense changes on protein structure and function (PolyPhen-2) suggests that this variant is likely to be tolerated. In summary, the available evidence is currently insufficient to determine the role of this variant in disease. Therefore, it has been classified as a Variant of Uncertain Significance.

Ambry Genetics
Classification: Uncertain significance for Inborn genetic diseases. Last evaluated: 2024-09-30. Review status: criteria provided, single submitter. Criteria: Ambry Variant Classification Scheme 2023. Collection method: clinical testing. Allele origin: germline.

NM_003998.4(NFKB1):c.47A>T (p.His16Leu)

Gene: NFKB1 (nuclear factor kappa B subunit 1; plus strand). Cytogenetic location: 4q24.
Variant type: single nucleotide variant.
Coding change: c.47A>T on transcript NM_003998.4 (MANE Select); coding-DNA position 47, A replaced by T.
Protein change: p.His16Leu; replaces histidine 16 with leucine.
Molecular consequence: missense variant.
Genome position (GRCh38, 1-based): chr4:102,529,843, A>T. VCF-style: chr4-102529843-A-T. GRCh37 (hg19) VCF-style: chr4-103451000-A-T.
Other names: c.47A>T, p.His16Leu (NM_001165412.2, NM_001319226.2, NM_001382625.1 and 2 more transcripts); c.8A>T, p.His3Leu (NM_001382628.1); c.47A>T (NM_003998.3); short protein forms H3L, H16L.
Identifiers: ClinVar variation 2886040 (VCV002886040.4), dbSNP rs966015688, ClinGen allele CA103123588.
Genomic context (GRCh38, chr4:102,529,843, plus strand): 5'-CATATAATATAGGAAAAATAATGATTGAAACATTTAAATGTTCTTCTTTACAGATGTTTC[A>T]TTTGGATCCTTCTTTGACTCATACAATATTTAATCCAGAAGTATTTCAACCACAGATGGC-3'
Protein context (NP_003989.2, residues 6-26): PYLGRPEQMF[His16Leu]LDPSLTHTIF